The following is an entry in ClinVar:

NM_182699.4(DDX53):c.1143G>T (p.Met381Ile)

Genes: DDX53 (DEAD-box helicase 53; plus strand), PTCHD1-AS (PTCHD1 antisense RNA (head to head); minus strand). Cytogenetic location: Xp22.11.
Variant type: single nucleotide variant.
Coding change: c.1143G>T on transcript NM_182699.4 (MANE Select); coding-DNA position 1143, G replaced by T.
Protein change: p.Met381Ile; replaces methionine 381 with isoleucine.
Molecular consequence: missense variant.
Genome position (GRCh38, 1-based): chrX:23,001,200, G>T. VCF-style: chrX-23001200-G-T. GRCh37 (hg19) VCF-style: chrX-23019317-G-T.
Other names: short protein forms M381I.
Identifiers: ClinVar variation 3055488 (VCV003055488.2), dbSNP rs5925720, ClinGen allele CA10368830.

ClinVar aggregate classification (germline): Benign (0 of 4 stars; one submission).

Conditions:
DDX53-related disorder. Also called: DDX53-related condition.

Allele frequency attached by ClinVar (database versions not stated): ESP Exome Variant Server 0.08104; TOPMed 0.08604; gnomAD 0.09876; gnomAD exomes 0.12658; ExAC 0.14468; 1000 Genomes Project 30x 0.15234; 1000 Genomes Project 0.16159.
gnomAD v4.1: 150,317 of 1,209,264 alleles (12%); highest among the groups gnomAD compares: South Asian, 33%; 7,139 homozygotes.

Submission:

PreventionGenetics, part of Exact Sciences
Classification: Benign for DDX53-related condition. Last evaluated: 2019-10-21. Review status: no assertion criteria provided. Collection method: clinical testing. Allele origin: germline.
Comment: This variant is classified as benign based on ACMG/AMP sequence variant interpretation guidelines (Richards et al. 2015 PMID: 25741868, with internal and published modifications).